The following is an entry in ClinVar:

NM_007215.4(POLG2):c.8del (p.Ser3fs)

Genes: MILR1 (mast cell immunoglobulin like receptor 1; plus strand), POLG2 (DNA polymerase gamma 2, accessory subunit; minus strand). Cytogenetic location: 17q23.3.
Variant type: Deletion.
Coding change: c.8del on transcript NM_007215.4 (MANE Select); coding-DNA position 8, one base deleted (C; older notation c.8delC).
Protein change: p.Ser3fs; shifts the reading frame from serine 3.
Molecular consequence: frameshift variant.
Genome position (GRCh38, 1-based): chr17:64,496,961, G deleted on the plus strand (C on the coding strand, the reverse complement: POLG2 is on the minus strand). VCF-style (leftmost placement, unchanged base first): chr17-64496960-AG-A. GRCh37 (hg19) VCF-style: chr17-62493078-AG-A.
Other names: short protein forms S3fs.
Identifiers: ClinVar variation 2020687 (VCV002020687.4), dbSNP rs2509561885, ClinGen allele CA2580094629.

ClinVar aggregate classification (germline): Pathogenic (1 of 4 stars; one submission).

Submission:

Labcorp Genetics (formerly Invitae), Labcorp
Classification: Pathogenic. Last evaluated: 2022-07-30. Review status: criteria provided, single submitter. Criteria: Invitae Variant Classification Sherloc (09022015). Collection method: clinical testing. Allele origin: germline.
Comment: For these reasons, this variant has been classified as Pathogenic. This variant has not been reported in the literature in individuals affected with POLG2-related conditions. This variant is not present in population databases (gnomAD no frequency). This sequence change creates a premature translational stop signal (p.Ser3Phefs*3) in the POLG2 gene. It is expected to result in an absent or disrupted protein product. Loss-of-function variants in POLG2 are known to be pathogenic (PMID: 28078310, 29625556).

Literature cited by the submitters: PubMed 28078310; PubMed 29625556.